The following is an entry in ClinVar:

NM_001918.5(DBT):c.434-1G>A

Gene: DBT (dihydrolipoamide branched chain transacylase E2; minus strand). Cytogenetic location: 1p21.2.
Variant type: single nucleotide variant.
Coding change: c.434-1G>A on transcript NM_001918.5 (MANE Select); the canonical splice acceptor site of the intron before coding-DNA position 434, G replaced by A.
Molecular consequence: splice acceptor variant.
Genome position (GRCh38, 1-based): chr1:100,218,748, C>T on the plus strand (G>A on the coding strand, the complement: DBT is on the minus strand). VCF-style: chr1-100218748-C-T. GRCh37 (hg19) VCF-style: chr1-100684304-C-T.
Other names: c.-110-1G>A (NM_001399972.1, NM_001399969.1).
Identifiers: ClinVar variation 551754 (VCV000551754.6), dbSNP rs754004231, ClinGen allele CA969740.

ClinVar aggregate classification (germline): Likely pathogenic. Review status: criteria provided, multiple submitters, no conflicts (2 of 4 stars). 3 submissions from 3 submitters: Likely pathogenic (2). 1 of the submissions does not count toward it. Last evaluated 2025-09-15.

Conditions:
Maple syrup urine disease type 2 (MSUD2). Also called: Maple syrup urine disease, type II. Identifiers: MedGen C1855371, MONDO:0023693, OMIM 620699.
Maple syrup urine disease type 1A (MSUD1A). Also called: MSUD type 1A. Identifiers: MedGen C1855369, MONDO:0023691, OMIM 248600.
Maple syrup urine disease (MSUD). Identifiers: Orphanet 511, MedGen C0024776, MeSH D008375, MONDO:0009563. Disease mechanism: loss of function.

Allele frequency attached by ClinVar (database versions not stated): gnomAD exomes below 0.00001; ExAC 0.00001.
gnomAD v4.1: 1 of 1,613,382 alleles (0.000062%); highest among the groups gnomAD compares: East Asian, 0.0022%; no homozygotes.

Submissions (3):

Myriad Genetics, Inc.
Classification: Likely pathogenic for Maple syrup urine disease type 2. Last evaluated: 2025-09-15. Review status: criteria provided, single submitter. Criteria: Myriad Autosomal Dominant, Autosomal Recessive and X-Linked Classification Criteria (2023). Collection method: clinical testing. Allele origin: unknown.
Comment: NM_001918.3(DBT):c.434-1G>A is a variant in a canonical splice site classified as likely pathogenic in the context of maple syrup urine disease type II. c.434-1G>A has not been observed in cases with relevant disease. Relevant functional assessments of this variant are not available in the literature. c.434-1G>A has been observed in referenced population frequency databases. In summary, NM_001918.3(DBT):c.434-1G>A is a variant in a canonical splice site in a gene where loss of function is a known mechanism of disease and is predicted to disrupt protein function. Please note: this variant was assessed in the context of healthy population screening.

Labcorp Genetics (formerly Invitae), Labcorp
Classification: Likely pathogenic for Maple syrup urine disease. Last evaluated: 2024-01-18. Review status: criteria provided, single submitter. Criteria: Invitae Variant Classification Sherloc (09022015). Collection method: clinical testing. Allele origin: germline.
Comment: This sequence change affects an acceptor splice site in intron 4 of the DBT gene. It is expected to disrupt RNA splicing. Variants that disrupt the donor or acceptor splice site typically lead to a loss of protein function (PMID: 16199547), and loss-of-function variants in DBT are known to be pathogenic (PMID: 16579849, 16786533). This variant is present in population databases (rs754004231, gnomAD 0.006%). This variant has not been reported in the literature in individuals affected with DBT-related conditions. ClinVar contains an entry for this variant (Variation ID: 551754). Algorithms developed to predict the effect of sequence changes on RNA splicing suggest that this variant may disrupt the consensus splice site. In summary, the currently available evidence indicates that the variant is pathogenic, but additional data are needed to prove that conclusively. Therefore, this variant has been classified as Likely Pathogenic.

Counsyl
Classification: Likely pathogenic for Maple syrup urine disease type 1A. Last evaluated: 2017-05-15. Review status: no assertion criteria provided. Collection method: clinical testing. Allele origin: unknown. Not counted in ClinVar's aggregate classification.

Literature cited by the submitters: PubMed 16199547 (cited by Labcorp Genetics (formerly Invitae), Labcorp); PubMed 16579849 (cited by Labcorp Genetics (formerly Invitae), Labcorp); PubMed 16786533 (cited by Labcorp Genetics (formerly Invitae), Labcorp).